The following is an entry in ClinVar:

ClinVar aggregate classification (germline): Uncertain significance (1 of 4 stars; one submission).

Submission:

GeneDx
Classification: Uncertain significance. Last evaluated: 2014-08-12. Review status: criteria provided, single submitter. Criteria: GeneDx Variant Classification (06012015). Collection method: clinical testing. Allele origin: germline. Affected: yes.
Comment: The c.199_207delTCGGCTCCA variant and the c.218insG variants are found in cis in the PCDH19 gene. Together, these variants (aka c.199_218del20ins12) cause a frameshift starting with codon Serine 67, changes this amino acid to a Histidine residue and creates a premature Stop codon at position 19 of the new reading frame, denoted p.Ser67HisfsX19. This is predicted to cause loss of normal protein function either through protein truncation or nonsense-mediated mRNA decay. Although neither of these variants have been seen independently or in cis, their presence on the same allele is consistent with a diagnosis of a PCDH19-related disorder.The variant is found in EPILEPSY panel(s).

NM_001184880.2(PCDH19):c.199_207del (p.Ser67_Pro69del)

Gene: PCDH19 (protocadherin 19; minus strand). Cytogenetic location: Xq22.1.
Variant type: Deletion.
Coding change: c.199_207del on transcript NM_001184880.2 (MANE Select); coding-DNA positions 199 to 207, 9 bases deleted (TCGGCTCCA; older notation c.199_207delTCGGCTCCA).
Protein change: p.Ser67_Pro69del.
Molecular consequence: inframe deletion.
Genome position (GRCh38, 1-based): chrX:100,408,391-100,408,399, TGGAGCCGA deleted on the plus strand (TCGGCTCCA on the coding strand, the reverse complement: PCDH19 is on the minus strand). VCF-style (leftmost placement, unchanged base first): chrX-100408390-GTGGAGCCGA-G. GRCh37 (hg19) VCF-style: chrX-99663388-GTGGAGCCGA-G.
Other names: c.199_207del, p.Ser67_Pro69del (NM_001105243.2, NM_020766.3).
Identifiers: ClinVar variation 206365 (VCV000206365.1), dbSNP rs796052840, ClinGen allele CA316420.